The following is an entry in ClinVar:

ClinVar aggregate classification (germline): Uncertain significance (1 of 4 stars; one submission).

Conditions:
Charcot-Marie-Tooth disease dominant intermediate B (CMTDIB). Also called: CHARCOT-MARIE-TOOTH NEUROPATHY, DOMINANT INTERMEDIATE B; Charcot-Marie-Tooth disease dominant intermediate 1; CMT DI1; Charcot-Marie-Tooth disease dominant intermediate I. Identifiers: Orphanet 100044, Orphanet 228179, MedGen C1847902, MONDO:0011674, OMIM 606482.

Submission:

Labcorp Genetics (formerly Invitae), Labcorp
Classification: Uncertain significance for Charcot-Marie-Tooth disease dominant intermediate B. Last evaluated: 2022-09-14. Review status: criteria provided, single submitter. Criteria: Invitae Variant Classification Sherloc (09022015). Collection method: clinical testing. Allele origin: germline.
Comment: This variant has not been reported in the literature in individuals affected with DNM2-related conditions. Algorithms developed to predict the effect of missense changes on protein structure and function (SIFT, PolyPhen-2, Align-GVGD) all suggest that this variant is likely to be tolerated. In summary, the available evidence is currently insufficient to determine the role of this variant in disease. Therefore, it has been classified as a Variant of Uncertain Significance. This sequence change replaces valine, which is neutral and non-polar, with leucine, which is neutral and non-polar, at codon 108 of the DNM2 protein (p.Val108Leu). This variant is not present in population databases (gnomAD no frequency).

NM_001005361.3(DNM2):c.322G>C (p.Val108Leu)

Gene: DNM2 (dynamin 2; plus strand). Cytogenetic location: 19p13.2.
Variant type: single nucleotide variant.
Coding change: c.322G>C on transcript NM_001005361.3 (MANE Select); coding-DNA position 322, G replaced by C.
Protein change: p.Val108Leu; replaces valine 108 with leucine.
Molecular consequence: missense variant.
Genome position (GRCh38, 1-based): chr19:10,772,565, G>C. VCF-style: chr19-10772565-G-C. GRCh37 (hg19) VCF-style: chr19-10883241-G-C.
Other names: c.322G>C, p.Val108Leu (NM_001005360.3, NM_001005362.3, NM_001190716.2 and 1 more transcripts); short protein forms V108L.
Identifiers: ClinVar variation 1984297 (VCV001984297.4), dbSNP rs1162606041, ClinGen allele CA404041844.
Genomic context (GRCh38, chr19:10,772,565, plus strand): 5'-TCCAAAAAGTTTACAGACTTTGATGAAGTCCGGCAGGAGATTGAAGCAGAGACCGACAGG[G>C]TCACGGGGACCAACAAAGGCATCTCCCCAGTGCCCATCAACCTTCGAGTCTACTCGCCAC-3'
Protein context (NP_001005361.1, residues 98-118): RQEIEAETDR[Val108Leu]TGTNKGISPV